The following is an entry in ClinVar:

NM_152328.5(ADSS1):c.193-5110del

Gene: ADSS1 (adenylosuccinate synthase 1; plus strand). Cytogenetic location: 14q32.33.
Variant type: Deletion.
Coding change: c.193-5110del on transcript NM_152328.5 (MANE Select); 5110 bases into the intron before coding-DNA position 193, one base deleted (T; older notation c.193-5110delT).
Molecular consequence: intron variant. On other transcripts: 5 prime UTR variant (1), frameshift variant (1).
Genome position (GRCh38, 1-based): chr14:104,729,910, T deleted. VCF-style (leftmost placement, unchanged base first): chr14-104729909-GT-G. GRCh37 (hg19) VCF-style: chr14-105196246-GT-G.
Other names: c.-710del (NM_001320424.1); c.18del, p.Cys6fs (NM_199165.2); short protein forms C6fs.
Identifiers: ClinVar variation 3617660 (VCV003617660.2).

ClinVar aggregate classification (germline): Pathogenic (1 of 4 stars; one submission).

Submission:

Labcorp Genetics (formerly Invitae), Labcorp
Classification: Pathogenic. Last evaluated: 2024-04-09. Review status: criteria provided, single submitter. Criteria: Invitae Variant Classification Sherloc (09022015). Collection method: clinical testing. Allele origin: germline.
Comment: This sequence change creates a premature translational stop signal (p.Cys6Trpfs*19) in the ADSSL1 gene. It is expected to result in an absent or disrupted protein product. Loss-of-function variants in ADSSL1 are known to be pathogenic (PMID: 26506222). This variant is not present in population databases (gnomAD no frequency). This variant has not been reported in the literature in individuals affected with ADSSL1-related conditions. For these reasons, this variant has been classified as Pathogenic.

Literature cited by the submitters: PubMed 26506222.